The following is an entry in ClinVar:

NM_001012339.3(DNAJC21):c.849G>A (p.Ser283=)

Gene: DNAJC21 (DnaJ heat shock protein family (Hsp40) member C21; plus strand). Cytogenetic location: 5p13.2.
Variant type: single nucleotide variant.
Coding change: c.849G>A on transcript NM_001012339.3 (MANE Select); coding-DNA position 849, G replaced by A.
Protein change: p.Ser283=; no amino-acid change (serine 283 retained).
Molecular consequence: synonymous variant.
Genome position (GRCh38, 1-based): chr5:34,938,963, G>A. VCF-style: chr5-34938963-G-A. GRCh37 (hg19) VCF-style: chr5-34939068-G-A.
Other names: c.849G>A, p.Ser283= (NM_001348420.2, NM_194283.4).
Identifiers: ClinVar variation 1625080 (VCV001625080.31), dbSNP rs144333220, ClinGen allele CA3228599.
Genomic context (GRCh38, chr5:34,938,963, plus strand): 5'-TTTGGAGAAAGAGCTCCAGGAGATGGAGGCACGGTACGAGAAGGAGTTTGGAGATGGATC[G>A]GATGAAAATGAAATGGAAGAACATGAACTCAAAGATGAGGAGGATGGTAATATTATTTTT-3'
Protein context (NP_001012339.2, residues 273-293): ARYEKEFGDG[Ser283=]DENEMEEHEL

ClinVar aggregate classification (germline): Likely benign. Review status: criteria provided, multiple submitters, no conflicts (2 of 4 stars). 2 submissions from 2 submitters: Likely benign (2). Last evaluated 2025-08-23.

Allele frequency attached by ClinVar (database versions not stated): ExAC 0.00004; gnomAD exomes 0.00005; ESP Exome Variant Server 0.00015.

Submissions (2):

Labcorp Genetics (formerly Invitae), Labcorp
Classification: Likely benign. Last evaluated: 2025-08-23. Review status: criteria provided, single submitter. Criteria: Invitae Variant Classification Sherloc (09022015). Collection method: clinical testing. Allele origin: germline.

CeGaT Center for Human Genetics Tuebingen
Classification: Likely benign. Last evaluated: 2024-02-01. Review status: criteria provided, single submitter. Criteria: CeGaT Center For Human Genetics Tuebingen Variant Classification Criteria Version 2. Collection method: clinical testing. Allele origin: germline. Affected: yes. Observed: 1 variant allele.
Comment: DNAJC21: BP4, BP7